The following is an entry in ClinVar:

ClinVar aggregate classification (germline): Pathogenic (1 of 4 stars; one submission).

Conditions:
Hereditary breast ovarian cancer syndrome. Also called: Hereditary breast and ovarian cancer syndrome (HBOC); Hereditary breast and ovarian cancer; Hereditary breast and/or ovarian cancer syndrome; BRCA1- and BRCA2-Associated Hereditary Breast and Ovarian Cancer; Hereditary breast and ovarian cancer syndrome; Breast and ovarian cancer. Identifiers: Orphanet 145, MedGen C0677776, MeSH D061325, MONDO:0003582. Disease mechanism: loss of function.

Submission:

Labcorp Genetics (formerly Invitae), Labcorp
Classification: Pathogenic for Hereditary breast ovarian cancer syndrome. Last evaluated: 2022-01-18. Review status: criteria provided, single submitter. Criteria: Invitae Variant Classification Sherloc (09022015). Collection method: clinical testing. Allele origin: germline.
Comment: This variant is not present in population databases (gnomAD no frequency). For these reasons, this variant has been classified as Pathogenic. This variant has not been reported in the literature in individuals affected with BRCA2-related conditions. This sequence change creates a premature translational stop signal (p.Gln1408Valfs*5) in the BRCA2 gene. It is expected to result in an absent or disrupted protein product. Loss-of-function variants in BRCA2 are known to be pathogenic (PMID: 20104584).

Literature cited by the submitters: PubMed 20104584.

NM_000059.4(BRCA2):c.4222_4223del (p.Gln1408fs)

Gene: BRCA2 (BRCA2 DNA repair associated; plus strand). Cytogenetic location: 13q13.1.
Variant type: Deletion.
Coding change: c.4222_4223del on transcript NM_000059.4 (MANE Select); coding-DNA positions 4222 to 4223, 2 bases deleted (CA; older notation c.4222_4223delCA).
Protein change: p.Gln1408fs; shifts the reading frame from glutamine 1408.
Molecular consequence: frameshift variant.
Genome position (GRCh38, 1-based): chr13:32,338,577-32,338,578, CA deleted; deleting any 2 consecutive bases within chr13:32,338,576-32,338,578 gives the same sequence; the c. name uses the placement nearest the transcript's 3' end. VCF-style (leftmost placement, unchanged base first): chr13-32338575-AAC-A. GRCh37 (hg19) VCF-style: chr13-32912712-AAC-A.
Other names: c.4222_4223delCA, p.Gln1408Valfs (NM_001406719.1, NM_001406720.1); short protein forms Q1408fs.
Identifiers: ClinVar variation 1950998 (VCV001950998.5), dbSNP rs2548527912, ClinGen allele CA2580087261.